The following is an entry in ClinVar:

ClinVar aggregate classification (germline): Likely benign (1 of 4 stars; one submission).

Submission:

CeGaT Center for Human Genetics Tuebingen
Classification: Likely benign. Last evaluated: 2026-05-01. Review status: criteria provided, single submitter. Criteria: CeGaT Center For Human Genetics Tuebingen Variant Classification Criteria Version 2. Collection method: clinical testing. Allele origin: germline. Affected: yes. Observed: 1 variant allele.
Comment: TUBA1B: PM2:Supporting, BP4, BP7

NM_006082.3(TUBA1B):c.543A>C (p.Val181=)

Gene: TUBA1B (tubulin alpha 1b; minus strand). Cytogenetic location: 12q13.12.
Variant type: single nucleotide variant.
Coding change: c.543A>C on transcript NM_006082.3 (MANE Select); coding-DNA position 543, A replaced by C.
Protein change: p.Val181=; no amino-acid change (valine 181 retained).
Molecular consequence: synonymous variant.
Genome position (GRCh38, 1-based): chr12:49,128,771, T>G on the plus strand (A>C on the coding strand, the complement: TUBA1B is on the minus strand). VCF-style: chr12-49128771-T-G. GRCh37 (hg19) VCF-style: chr12-49522554-T-G.
Identifiers: ClinVar variation 4872782 (VCV004872782.2).
Genomic context (GRCh38, chr12:49,128,771, plus strand): 5'-GGCACAATCAGAGTGCTCCAGGGTGGTGTGGGTGGTGAGGATGGAGTTGTAGGGCTCAAC[T>G]ACAGCTGTGGAAACCTGGGGTGCTGGGTAAATGGAGAACTCCAGCTTGGACTTCTTGCCA-3'
Protein context (NP_006073.2, residues 171-191): IYPAPQVSTA[Val181=]VEPYNSILTT